The following is an entry in ClinVar:

ClinVar aggregate classification (germline): Benign. Review status: criteria provided, multiple submitters, no conflicts (2 of 4 stars). 4 submissions from 4 submitters: Benign (3). 1 of the submissions does not count toward it. Last evaluated 2021-07-14.

Conditions:
Microcephaly 3, primary, autosomal recessive. Identifiers: Orphanet 2512, MedGen C1858108, MONDO:0011488, OMIM 604804.

Allele frequency attached by ClinVar (database versions not stated): ESP Exome Variant Server 0.64193; TOPMed 0.65725; gnomAD 0.65760 and 0.66188; 1000 Genomes Project 30x 0.68738; 1000 Genomes Project 0.68750; gnomAD exomes 0.68804 and 0.70304; ExAC 0.69513.
gnomAD v4.1: 1,105,381 of 1,613,328 alleles (69%); highest among the groups gnomAD compares: East Asian, 79%; 380,613 homozygotes.

Submissions (4):

Genome-Nilou Lab
Classification: Benign for Microcephaly 3, primary, autosomal recessive. Last evaluated: 2021-07-14. Review status: criteria provided, single submitter. Criteria: ACMG Guidelines, 2015. Collection method: clinical testing. Allele origin: germline. Affected: no.

GeneDx
Classification: Benign. Last evaluated: 2018-06-16. Review status: criteria provided, single submitter. Criteria: GeneDx Variant Classification (06012015). Collection method: clinical testing. Allele origin: germline. Affected: yes.
Comment: This variant is considered likely benign or benign based on one or more of the following criteria: it is a conservative change, it occurs at a poorly conserved position in the protein, it is predicted to be benign by multiple in silico algorithms, and/or has population frequency not consistent with disease.

Breakthrough Genomics
Classification: Benign. Review status: criteria provided, single submitter. Criteria: ACMG Guidelines, 2015. Collection method: not provided. Allele origin: germline. Inheritance: Autosomal recessive inheritance. Affected: yes.

Genetic Services Laboratory, University of Chicago
Classification: Likely benign. Review status: no assertion criteria provided. Collection method: clinical testing. Allele origin: germline. Inheritance: Autosomal recessive inheritance. Not counted in ClinVar's aggregate classification.
Comment: Likely benign based on allele frequency in 1000 Genomes Project or ESP global frequency and its presence in a patient with a rare or unrelated disease phenotype. NOT Sanger confirmed

NM_018249.6(CDK5RAP2):c.5578+29C>G

Gene: CDK5RAP2 (CDK5 regulatory subunit associated protein 2; minus strand). Cytogenetic location: 9q33.2.
Variant type: single nucleotide variant.
Coding change: c.5578+29C>G on transcript NM_018249.6 (MANE Select); 29 bases into the intron after coding-DNA position 5578, C replaced by G.
Molecular consequence: intron variant.
Genome position (GRCh38, 1-based): chr9:120,394,483, G>C on the plus strand (C>G on the coding strand, the complement: CDK5RAP2 is on the minus strand). VCF-style: chr9-120394483-G-C. GRCh37 (hg19) VCF-style: chr9-123156761-G-C.
Other names: c.4888+29C>G (NM_001272039.2); c.5341+29C>G (NM_001011649.3).
Identifiers: ClinVar variation 158165 (VCV000158165.10), dbSNP rs4410972, ClinGen allele CA171593.